The following is an entry in ClinVar:

ClinVar aggregate classification (germline): Likely benign. Review status: criteria provided, multiple submitters, no conflicts (2 of 4 stars). 4 submissions from 4 submitters: Likely benign (3). 1 of the submissions does not count toward it. Last evaluated 2026-01-21.

Conditions:
CDH23-related disorder. Also called: CDH23-related condition; CDH23-related disorders.
Usher syndrome type 1 (USH1). Also called: RETINITIS PIGMENTOSA AND CONGENITAL DEAFNESS. Identifiers: Orphanet 231169, Orphanet 886, MedGen C1568247, MONDO:0010168, OMIM 276900.

Allele frequency attached by ClinVar (database versions not stated): gnomAD 0.00004 and 0.00005; ExAC 0.00008; TOPMed 0.00008.
gnomAD v4.1: 42 of 1,613,348 alleles (0.0026%); highest among the groups gnomAD compares: East Asian, 0.049%; no homozygotes.

Submissions (4):

Labcorp Genetics (formerly Invitae), Labcorp
Classification: Likely benign. Last evaluated: 2026-01-21. Review status: criteria provided, single submitter. Criteria: Invitae Variant Classification Sherloc (09022015). Collection method: clinical testing. Allele origin: germline.

PreventionGenetics, part of Exact Sciences
Classification: Likely benign for CDH23-related condition. Last evaluated: 2025-06-09. Review status: criteria provided, single submitter. Criteria: ACMG Guidelines, 2015. Collection method: clinical testing. Allele origin: germline.
Comment: This variant is classified as likely benign based on ACMG/AMP sequence variant interpretation guidelines (Richards et al. 2015 PMID: 25741868, with internal and published modifications).

Blueprint Genetics
Classification: Likely benign. Last evaluated: 2024-07-05. Review status: criteria provided, single submitter. Criteria: ACMG Guidelines, 2015. Collection method: clinical testing. Allele origin: germline.

Natera, Inc.
Classification: Uncertain significance for Usher syndrome type 1. Last evaluated: 2020-04-15. Review status: no assertion criteria provided. Collection method: clinical testing. Allele origin: germline. Not counted in ClinVar's aggregate classification.

NM_022124.6(CDH23):c.4431C>T (p.Gly1477=)

Gene: CDH23 (cadherin related 23; plus strand). Cytogenetic location: 10q22.1.
Variant type: single nucleotide variant.
Coding change: c.4431C>T on transcript NM_022124.6 (MANE Select); coding-DNA position 4431, C replaced by T.
Protein change: p.Gly1477=; no amino-acid change (glycine 1477 retained).
Molecular consequence: synonymous variant.
Genome position (GRCh38, 1-based): chr10:71,739,715, C>T. VCF-style: chr10-71739715-C-T. GRCh37 (hg19) VCF-style: chr10-73499472-C-T.
Identifiers: ClinVar variation 793628 (VCV000793628.13), dbSNP rs763102268, ClinGen allele CA5545044.